The following is an entry in ClinVar:

NM_020812.4(DOCK6):c.3029G>A (p.Arg1010Gln)

Gene: DOCK6 (dedicator of cytokinesis 6; minus strand). Cytogenetic location: 19p13.2.
Variant type: single nucleotide variant.
Coding change: c.3029G>A on transcript NM_020812.4 (MANE Select); coding-DNA position 3029, G replaced by A.
Protein change: p.Arg1010Gln; replaces arginine 1010 with glutamine.
Molecular consequence: missense variant.
Genome position (GRCh38, 1-based): chr19:11,223,033, C>T on the plus strand (G>A on the coding strand, the complement: DOCK6 is on the minus strand). VCF-style: chr19-11223033-C-T. GRCh37 (hg19) VCF-style: chr19-11333709-C-T.
Other names: c.3029G>A (NM_020812.2); c.3134G>A, p.Arg1045Gln (NM_001367830.1); short protein forms R1010Q, R1045Q.
Identifiers: ClinVar variation 1205967 (VCV001205967.29), dbSNP rs375754955, ClinGen allele CA9207389.
Genomic context (GRCh38, chr19:11,223,033, plus strand): 5'-CTGCCCACGCCCACTCCTACCTGCTTGTAGTGGGCCCGGACCAGGCTGAAGACAAAGCCC[C>T]GGTCCACCAGGGACAGAAGGTCACTGAGGAAGAAAGCCAGGCTGGCGTTGAGGTGCTCGG-3'
Protein context (NP_065863.2, residues 1000-1020): FLSDLLSLVD[Arg1010Gln]GFVFSLVRAH

ClinVar aggregate classification (germline): Uncertain significance. Review status: criteria provided, multiple submitters, no conflicts (2 of 4 stars). 4 submissions from 4 submitters: Uncertain significance (2). 2 of the submissions do not count toward it. Last evaluated 2022-03-01.

Conditions:
Inborn genetic diseases. Identifiers: MedGen C0950123, MeSH D030342.

Allele frequency attached by ClinVar (database versions not stated): gnomAD exomes 0.00007; ExAC 0.00008; ESP Exome Variant Server 0.00008; gnomAD 0.00011 and 0.00012; TOPMed 0.00011.
gnomAD v4.1: 168 of 1,613,652 alleles (0.01%); highest among the groups gnomAD compares: Middle Eastern, 0.016%; no homozygotes.

Submissions (4):

CeGaT Center for Human Genetics Tuebingen
Classification: Uncertain significance. Last evaluated: 2022-03-01. Review status: criteria provided, single submitter. Criteria: CeGaT Center For Human Genetics Tuebingen Variant Classification Criteria Version 2. Collection method: clinical testing. Allele origin: germline. Affected: yes. Observed: 1 variant allele.

Ambry Genetics
Classification: Uncertain significance for Inborn genetic diseases. Last evaluated: 2021-02-22. Review status: criteria provided, single submitter. Criteria: Ambry Variant Classification Scheme 2023. Collection method: clinical testing. Allele origin: germline.
Comment: The c.3029G>A (p.R1010Q) alteration is located in exon 25 (coding exon 25) of the DOCK6 gene. This alteration results from a G to A substitution at nucleotide position 3029, causing the arginine (R) at amino acid position 1010 to be replaced by a glutamine (Q). The p.R1010Q alteration is predicted to be tolerated by in silico analysis. Based on insufficient or conflicting evidence, the clinical significance of this alteration remains unclear.

Clinical Genetics DNA and cytogenetics Diagnostics Lab, Erasmus MC, Erasmus Medical Center
Classification: Uncertain significance. Review status: no assertion criteria provided. Collection method: clinical testing. Allele origin: germline. Affected: yes. Study: VKGL Data-share Consensus. Not counted in ClinVar's aggregate classification.

Laboratory of Diagnostic Genome Analysis, Leiden University Medical Center (LUMC)
Classification: Uncertain significance. Review status: no assertion criteria provided. Collection method: clinical testing. Allele origin: germline. Affected: yes. Study: VKGL Data-share Consensus. Not counted in ClinVar's aggregate classification.